The following is an entry in ClinVar:

NM_018975.4(TERF2IP):c.171G>C (p.Gln57His)

Gene: TERF2IP (TERF2 interacting protein; plus strand). Cytogenetic location: 16q23.1.
Variant type: single nucleotide variant.
Coding change: c.171G>C on transcript NM_018975.4 (MANE Select); coding-DNA position 171, G replaced by C.
Protein change: p.Gln57His; replaces glutamine 57 with histidine.
Molecular consequence: missense variant. On other transcripts: non-coding transcript variant (1).
Genome position (GRCh38, 1-based): chr16:75,648,053, G>C. VCF-style: chr16-75648053-G-C. GRCh37 (hg19) VCF-style: chr16-75681951-G-C.
Other names: short protein forms Q57H.
Identifiers: ClinVar variation 2448546 (VCV002448546.2), dbSNP rs2507072800, ClinGen allele CA396817367.

ClinVar aggregate classification (germline): Uncertain significance (1 of 4 stars; one submission).

Submission:

Ambry Genetics
Classification: Uncertain significance. Last evaluated: 2023-02-12. Review status: criteria provided, single submitter. Criteria: Ambry Variant Classification Scheme 2023. Collection method: clinical testing. Allele origin: germline.
Comment: The p.Q57H variant (also known as c.171G>C), located in coding exon 1 of the TERF2IP gene, results from a G to C substitution at nucleotide position 171. The glutamine at codon 57 is replaced by histidine, an amino acid with highly similar properties. This amino acid position is conserved. In addition, this alteration is predicted to be tolerated by in silico analysis. Since supporting evidence is limited at this time, the clinical significance of this alteration remains unclear.